The following is an entry in ClinVar:

ClinVar aggregate classification (germline): Uncertain significance. Review status: criteria provided, multiple submitters, no conflicts (2 of 4 stars). 2 submissions from 2 submitters: Uncertain significance (2). Last evaluated 2021-08-09.

Conditions:
Familial acute necrotizing encephalopathy (IIAE3). Also called: ENCEPHALOPATHY, ACUTE, INFECTION-INDUCED, SUSCEPTIBILITY TO, 3; Susceptibility to Acute Necrotizing Encephalopathy 1. Identifiers: Orphanet 88619, MedGen C2675556, MONDO:0011953, OMIM 608033.

Allele frequency attached by ClinVar (database versions not stated): ExAC 0.00002; gnomAD exomes 0.00004 and 0.00010; TOPMed 0.00006; gnomAD 0.00007; ESP Exome Variant Server 0.00008.
gnomAD v4.1: 153 of 1,613,868 alleles (0.0095%); highest among the groups gnomAD compares: Non-Finnish European, 0.012%; no homozygotes.

Submissions (2):

Ambry Genetics
Classification: Uncertain significance. Last evaluated: 2021-08-09. Review status: criteria provided, single submitter. Criteria: Ambry Variant Classification Scheme 2023. Collection method: clinical testing. Allele origin: germline.

Labcorp Genetics (formerly Invitae), Labcorp
Classification: Uncertain significance for Familial acute necrotizing encephalopathy. Last evaluated: 2020-09-03. Review status: criteria provided, single submitter. Criteria: Invitae Variant Classification Sherloc (09022015). Collection method: clinical testing. Allele origin: germline.
Comment: In summary, the available evidence is currently insufficient to determine the role of this variant in disease. Therefore, it has been classified as a Variant of Uncertain Significance. Algorithms developed to predict the effect of missense changes on protein structure and function are either unavailable or do not agree on the potential impact of this missense change (SIFT: "Deleterious"; PolyPhen-2: "Benign"; Align-GVGD: "Class C15"). This variant has not been reported in the literature in individuals with RANBP2-related conditions. This variant is present in population databases (rs138210821, ExAC 0.005%). This sequence change replaces phenylalanine with leucine at codon 934 of the RANBP2 protein (p.Phe934Leu). The phenylalanine residue is highly conserved and there is a small physicochemical difference between phenylalanine and leucine.

NM_006267.5(RANBP2):c.2802C>G (p.Phe934Leu)

Gene: RANBP2 (RAN binding protein 2; plus strand). Cytogenetic location: 2q13.
Variant type: single nucleotide variant.
Coding change: c.2802C>G on transcript NM_006267.5 (MANE Select); coding-DNA position 2802, C replaced by G.
Protein change: p.Phe934Leu; replaces phenylalanine 934 with leucine.
Molecular consequence: missense variant.
Genome position (GRCh38, 1-based): chr2:108,763,341, C>G. VCF-style: chr2-108763341-C-G. GRCh37 (hg19) VCF-style: chr2-109379797-C-G.
Other names: c.2802C>G (NM_006267.4); short protein forms F934L.
Identifiers: ClinVar variation 1060888 (VCV001060888.11), dbSNP rs138210821, ClinGen allele CA1822818.